The following is an entry in ClinVar:

NM_138694.4(PKHD1):c.8227C>T (p.Gln2743Ter)

Gene: PKHD1 (PKHD1 ciliary IPT domain containing fibrocystin/polyductin; minus strand). Cytogenetic location: 6p12.2.
Variant type: single nucleotide variant.
Coding change: c.8227C>T on transcript NM_138694.4 (MANE Select); coding-DNA position 8227, C replaced by T.
Protein change: p.Gln2743Ter; replaces glutamine 2743 with a stop codon.
Molecular consequence: nonsense.
Genome position (GRCh38, 1-based): chr6:51,830,936, G>A on the plus strand (C>T on the coding strand, the complement: PKHD1 is on the minus strand). VCF-style: chr6-51830936-G-A. GRCh37 (hg19) VCF-style: chr6-51695734-G-A.
Other names: c.8227C>T, p.Gln2743Ter (NM_170724.3); short protein forms Q2743*.
Identifiers: ClinVar variation 4816764 (VCV004816764.1).
Genomic context (GRCh38, chr6:51,830,936, plus strand): 5'-CGTCATCCCCAGGGCCTGGAATGGTATTGTTGTATCCTCCCCAGCCTTCTTCAACACCTT[G>A]CCATGTTTCAGGGAGGGACCATTTTAAAGCTGATTCAGGGGCAGAGGTAGAAGCTAGAAA-3'

ClinVar aggregate classification (germline): Likely pathogenic (1 of 4 stars; one submission).

Conditions:
Autosomal recessive polycystic kidney disease (ARPKD). Also called: AR polycystic kidney disease. Identifiers: Orphanet 731, Orphanet 8378, MedGen C0085548, MeSH D017044, MONDO:0009889.

Submission:

Natera, Inc.
Classification: Likely pathogenic for Autosomal recessive polycystic kidney disease. Last evaluated: 2025-12-23. Review status: criteria provided, single submitter. Criteria: Natera Variant Classification Schema (03/2026). Collection method: clinical testing. Allele origin: germline.
Comment: The c.8227C>T variant in PKHD1 is a nonsense variant predicted to introduce a stop codon at amino acid 2743. This variant is expected to result in nonsense mediated decay, truncation, or a dysfunctional protein product. This variant is rare in the general population with a frequency below the threshold expected for the associated phenotype(s). Given the available evidence, this variant is classified as Likely Pathogenic.